The following is an entry in ClinVar:

NM_001122659.3(EDNRB):c.913del (p.Ser305fs)

Genes: EDNRB (endothelin receptor type B; minus strand), EDNRB-AS1 (EDNRB antisense RNA 1; plus strand). Cytogenetic location: 13q22.3.
Variant type: Deletion.
Coding change: c.913del on transcript NM_001122659.3 (MANE Select); coding-DNA position 913, one base deleted (A; older notation c.913delA).
Protein change: p.Ser305fs; shifts the reading frame from serine 305.
Molecular consequence: frameshift variant.
Genome position (GRCh38, 1-based): chr13:77,901,096, T deleted on the plus strand (A on the coding strand, the reverse complement: EDNRB is on the minus strand); the first of 4 consecutive T bases (chr13:77,901,096-77,901,099); deleting any one gives the same sequence. VCF-style (leftmost placement, unchanged base first): chr13-77901095-CT-C. GRCh37 (hg19) VCF-style: chr13-78475230-CT-C.
Other names: c.913del, p.Ser305fs (NM_000115.5, NM_003991.4); c.1180delA, p.Ser395Valfs (NM_001201397.2); short protein forms S305fs, S395fs.
Identifiers: ClinVar variation 2004757 (VCV002004757.4), dbSNP rs2501534802, ClinGen allele CA2580087796.
Genomic context (GRCh38, chr13:77,901,095, plus strand): 5'-ATCAAATATTTGTATTTTCTTACCTGCTTTAGGTGATCATTTAAAGCAATCTGCATGCCA[CT>C]TTTCTTTCTCAACATTTCACAGGTCATTAGTGTATAAAAAAATGCAGTGATGGCCAATGG-3'

ClinVar aggregate classification (germline): Pathogenic (1 of 4 stars; one submission).

Submission:

Labcorp Genetics (formerly Invitae), Labcorp
Classification: Pathogenic. Last evaluated: 2022-07-20. Review status: criteria provided, single submitter. Criteria: Invitae Variant Classification Sherloc (09022015). Collection method: clinical testing. Allele origin: germline.
Comment: This sequence change creates a premature translational stop signal (p.Ser305Valfs*7) in the EDNRB gene. It is expected to result in an absent or disrupted protein product. Loss-of-function variants in EDNRB are known to be pathogenic (PMID: 8001159, 10528251, 20127975, 30394532). This variant is not present in population databases (gnomAD no frequency). This variant has not been reported in the literature in individuals affected with EDNRB-related conditions. For these reasons, this variant has been classified as Pathogenic.

Literature cited by the submitters: PubMed 8001159; PubMed 10528251; PubMed 20127975; PubMed 30394532.